The following is an entry in ClinVar:

NM_000226.4(KRT9):c.195C>T (p.Gly65=)

Gene: KRT9 (keratin 9; minus strand). Cytogenetic location: 17q21.2.
Variant type: single nucleotide variant.
Coding change: c.195C>T on transcript NM_000226.4 (MANE Select); coding-DNA position 195, C replaced by T.
Protein change: p.Gly65=; no amino-acid change (glycine 65 retained).
Molecular consequence: synonymous variant.
Genome position (GRCh38, 1-based): chr17:41,571,798, G>A on the plus strand (C>T on the coding strand, the complement: KRT9 is on the minus strand). VCF-style: chr17-41571798-G-A. GRCh37 (hg19) VCF-style: chr17-39728050-G-A.
Identifiers: ClinVar variation 323141 (VCV000323141.19), dbSNP rs8070680, ClinGen allele CA8562296.

ClinVar aggregate classification (germline): Benign. Review status: criteria provided, multiple submitters, no conflicts (2 of 4 stars). 5 submissions from 5 submitters: Benign (5). Last evaluated 2026-02-04.

Conditions:
Palmoplantar keratoderma, epidermolytic. Also called: Localized epidermolytic hyperkeratosis. Identifiers: MedGen C1721006, MONDO:0968949, HP:0007559.

Allele frequency attached by ClinVar (database versions not stated): ESP Exome Variant Server 0.64017; gnomAD 0.66728 and 0.67742; TOPMed 0.67948; ExAC 0.72923; 1000 Genomes Project 30x 0.76936; 1000 Genomes Project 0.78095.

Submissions (5):

Labcorp Genetics (formerly Invitae), Labcorp
Classification: Benign. Last evaluated: 2026-02-04. Review status: criteria provided, single submitter. Criteria: Invitae Variant Classification Sherloc (09022015). Collection method: clinical testing. Allele origin: germline.

Genome-Nilou Lab
Classification: Benign for Epidermolytic palmoplantar keratoderma, 1. Last evaluated: 2021-08-19. Review status: criteria provided, single submitter. Criteria: ACMG Guidelines, 2015. Collection method: clinical testing. Allele origin: germline. Affected: no.

GeneDx
Classification: Benign. Last evaluated: 2018-11-12. Review status: criteria provided, single submitter. Criteria: GeneDx Variant Classification Process June 2021. Collection method: clinical testing. Allele origin: germline. Affected: yes.

Illumina Laboratory Services, Illumina
Classification: Benign for Epidermolytic palmoplantar keratoderma, 1. Last evaluated: 2018-01-13. Review status: criteria provided, single submitter. Criteria: ICSL Variant Classification Criteria 13 December 2019. Collection method: clinical testing. Allele origin: germline.
Comment: This variant was observed in the ICSL laboratory as part of a predisposition screen in an ostensibly healthy population. It had not been previously curated by ICSL or reported in the Human Gene Mutation Database (HGMD: prior to June 1st, 2018), and was therefore a candidate for classification through an automated scoring system. Utilizing variant allele frequency, disease prevalence and penetrance estimates, and inheritance mode, an automated score was calculated to assess if this variant is too frequent to cause the disease. Based on the score and internal cut-off values, a variant classified as benign is not then subjected to further curation. The score for this variant resulted in a classification of benign for this disease.

Breakthrough Genomics
Classification: Benign. Review status: criteria provided, single submitter. Criteria: ACMG Guidelines, 2015. Collection method: not provided. Allele origin: germline. Inheritance: Autosomal dominant inheritance. Affected: yes.